The following is an entry in ClinVar:

NM_024642.5(GALNT12):c.666T>C (p.Asp222=)

Gene: GALNT12 (polypeptide N-acetylgalactosaminyltransferase 12; plus strand). Cytogenetic location: 9q22.33.
Variant type: single nucleotide variant.
Coding change: c.666T>C on transcript NM_024642.5 (MANE Select); coding-DNA position 666, T replaced by C.
Protein change: p.Asp222=; no amino-acid change (aspartic acid 222 retained).
Molecular consequence: synonymous variant.
Genome position (GRCh38, 1-based): chr9:98,826,876, T>C. VCF-style: chr9-98826876-T-C. GRCh37 (hg19) VCF-style: chr9-101589158-T-C.
Identifiers: ClinVar variation 4261488 (VCV004261488.2).
Genomic context (GRCh38, chr9:98,826,876, plus strand): 5'-CAACAAGAGAGAGGGCCTGGTGCGAGCCCGGCTGCTGGGGGCGTCTGCGGCGAGGGGCGA[T>C]GTTCTGACCTTCCTGGACTGTCACTGTGAGTGCCACGAAGGGTGGCTGGAGCCGCTGCTG-3'
Protein context (NP_078918.3, residues 212-232): RLLGASAARG[Asp222=]VLTFLDCHCE

ClinVar aggregate classification (germline): Benign/Likely benign. Review status: criteria provided, multiple submitters, no conflicts (2 of 4 stars). 2 submissions from 2 submitters: Benign (1); Likely benign (1). Last evaluated 2026-04-24.

Conditions:
Colorectal cancer, susceptibility to, 1. Also called: COLORECTAL ADENOMA AND CANCER, SUSCEPTIBILITY TO; COLORECTAL CANCER, SUSCEPTIBILITY TO, ON CHROMOSOME 9. Identifiers: MedGen C1837315, MONDO:0012132, OMIM 608812.

Submissions (2):

Myriad Genetics, Inc.
Classification: Benign for Colorectal cancer, susceptibility to, 1. Last evaluated: 2026-04-24. Review status: criteria provided, single submitter. Criteria: Myriad Autosomal Dominant, Autosomal Recessive and X-Linked Classification Criteria (2023). Collection method: clinical testing. Allele origin: unknown.
Comment: This variant is considered benign. This variant is a silent/synonymous amino acid change and it is not expected to impact splicing.

Ambry Genetics
Classification: Likely benign. Last evaluated: 2025-07-06. Review status: criteria provided, single submitter. Criteria: Ambry Variant Classification Scheme 2023. Collection method: clinical testing. Allele origin: germline.